The following is an entry in ClinVar:

ClinVar aggregate classification (germline): Likely benign (1 of 4 stars; one submission).

Allele frequency attached by ClinVar (database versions not stated): TOPMed below 0.00001; gnomAD 0.00001; gnomAD exomes 0.00001.

Submission:

CeGaT Center for Human Genetics Tuebingen
Classification: Likely benign. Last evaluated: 2022-08-01. Review status: criteria provided, single submitter. Criteria: CeGaT Center For Human Genetics Tuebingen Variant Classification Criteria Version 2. Collection method: clinical testing. Allele origin: germline. Affected: yes. Observed: 1 variant allele.
Comment: MXRA8: BP4, BP7

NM_032348.4(MXRA8):c.294C>T (p.Arg98=)

Gene: MXRA8 (matrix remodeling associated 8; minus strand). Cytogenetic location: 1p36.33.
Variant type: single nucleotide variant.
Coding change: c.294C>T on transcript NM_032348.4 (MANE Select); coding-DNA position 294, C replaced by T.
Protein change: p.Arg98=; no amino-acid change (arginine 98 retained).
Molecular consequence: synonymous variant. On other transcripts: intron variant (1).
Genome position (GRCh38, 1-based): chr1:1,355,532, G>A on the plus strand (C>T on the coding strand, the complement: MXRA8 is on the minus strand). VCF-style: chr1-1355532-G-A. GRCh37 (hg19) VCF-style: chr1-1290912-G-A.
Other names: c.294C>T, p.Arg98= (NM_001282582.2, NM_001282585.1); c.267C>T, p.Arg89= (NM_001282583.2); c.74-187C>T (NM_001282584.2).
Identifiers: ClinVar variation 2638007 (VCV002638007.24), dbSNP rs1197100511, ClinGen allele CA415764996.
Genomic context (GRCh38, chr1:1,355,532, plus strand): 5'-GCCGTCGTCGAAGGCCGAGGCCGAGAGCTCCAGGCGGCCGCGGTCCCGCGCCTCGTACAC[G>A]CGCTGCTCGCCCGCCGAGTACAAGTCCAGCAGGCGCCGCGCGGGGCCACCCCCGGGGCCG-3'
Protein context (NP_115724.1, residues 88-108): LLDLYSAGEQ[Arg98=]VYEARDRGRL